The following is an entry in ClinVar:

ClinVar aggregate classification (germline): Uncertain significance (1 of 4 stars; one submission).

Conditions:
Hereditary cancer-predisposing syndrome. Also called: Neoplastic Syndromes, Hereditary; Tumor predisposition; Hereditary Cancer Syndrome; Hereditary neoplastic syndrome. Identifiers: Orphanet 140162, MedGen C0027672, MeSH D009386, MONDO:0015356.

Submission:

Ambry Genetics
Classification: Uncertain significance for Hereditary cancer-predisposing syndrome. Last evaluated: 2022-04-07. Review status: criteria provided, single submitter. Criteria: Ambry Variant Classification Scheme 2023. Collection method: clinical testing. Allele origin: germline.
Comment: The c.880C>A variant (also known as p.R294R), located in coding exon 8 of the PMS2 gene, results from a C to A substitution at nucleotide position 880. This nucleotide substitution does not change the at codon 294. However, this change occurs in the base pair of coding exon 8, which makes it likely to have some effect on normal mRNA splicing. This nucleotide position is not well conserved in available vertebrate species. In silico splice site analysis for this alteration is inconclusive. Since supporting evidence is limited at this time, the clinical significance of this alteration remains unclear.

NM_000535.7(PMS2):c.880C>A (p.Arg294=)

Gene: PMS2 (PMS1 homolog 2, mismatch repair system component; minus strand). Cytogenetic location: 7p22.1.
Variant type: single nucleotide variant.
Coding change: c.880C>A on transcript NM_000535.7 (MANE Select); coding-DNA position 880, C replaced by A.
Protein change: p.Arg294=; no amino-acid change (arginine 294 retained).
Molecular consequence: synonymous variant. On other transcripts: 5 prime UTR variant (2), non-coding transcript variant (1), intron variant (4).
Genome position (GRCh38, 1-based): chr7:5,995,557, G>T on the plus strand (C>A on the coding strand, the complement: PMS2 is on the minus strand). VCF-style: chr7-5995557-G-T. GRCh37 (hg19) VCF-style: chr7-6035188-G-T.
Other names: c.475C>A, p.Arg159= (NM_001018040.1, NM_001322003.2, NM_001322004.2 and 20 more transcripts); c.880C>A, p.Arg294= (NM_001322006.2, NM_001322014.2, NM_001406870.1 and 2 more transcripts); c.562C>A, p.Arg188= (NM_001322007.2, NM_001322008.2, NM_001406876.1 and 4 more transcripts); c.-54C>A (NM_001322011.2, NM_001322012.2); c.307C>A, p.Arg103= (NM_001322013.2, NM_001406909.1); c.571C>A, p.Arg191= (NM_001322015.2, NM_001406875.1, NM_001406877.1 and 6 more transcripts); c.1066C>A, p.Arg356= (NM_001406866.1); c.904C>A, p.Arg302= (NM_001406868.1); and 8 more.
Identifiers: ClinVar variation 1764743 (VCV001764743.2), dbSNP rs563433235, ClinGen allele CA453645764.
Genomic context (GRCh38, chr7:5,995,557, plus strand): 5'-CATAAAGAACAAACTAACACAAAAAAATTTTAAATACCTTTGCTGGGTCACAAGGCCGCC[G>T]GTTGATAAAGAAAAACTGTCTGTCTGTTGAACTCCTTCCAACTCCATGCGTGCATTGTGA-3'
Protein context (NP_000526.2, residues 284-304): STDRQFFFIN[Arg294=]RPCDPAKVCR